The following is an entry in ClinVar:

ClinVar aggregate classification (germline): Conflicting classifications of pathogenicity. Review status: criteria provided, conflicting classifications (1 of 4 stars). 5 submissions from 5 submitters: Uncertain significance (4); Likely benign (1). Last evaluated 2025-08-27.

Conditions:
TTN-related disorder. Also called: TTN-related disorders; TTN-related condition; TTN-related disease.
Cardiovascular phenotype. Identifiers: MedGen CN230736.
Autosomal recessive limb-girdle muscular dystrophy type 2J (LGMDR10). Also called: Limb-girdle muscular dystrophy, type 2J; MUSCULAR DYSTROPHY, LIMB-GIRDLE, AUTOSOMAL RECESSIVE 10. Identifiers: Orphanet 140922, MedGen C1837342, MONDO:0012127, OMIM 608807.
Dilated cardiomyopathy 1G (CMD1G). Identifiers: Orphanet 154, MedGen C1858763, MONDO:0011400, OMIM 604145.

Allele frequency attached by ClinVar (database versions not stated): ExAC 0.00001; gnomAD exomes 0.00001; TOPMed 0.00006; gnomAD 0.00007.
gnomAD v4.1: 18 of 1,613,962 alleles (0.0011%); highest among the groups gnomAD compares: African/African-American, 0.024%; no homozygotes.

Submissions (5):

PreventionGenetics, part of Exact Sciences
Classification: Uncertain significance for TTN-related condition. Last evaluated: 2025-08-27. Review status: criteria provided, single submitter. Criteria: ACMG Guidelines, 2015. Collection method: clinical testing. Allele origin: germline.
Comment: The TTN c.9326A>G variant is predicted to result in the amino acid substitution p.Lys3109Arg. To our knowledge, this variant has not been reported in the literature. This variant is reported in 0.020% of alleles in individuals of African descent in gnomAD. At this time, the clinical significance of this variant is uncertain due to the absence of conclusive functional and genetic evidence.

Blueprint Genetics
Classification: Likely benign. Last evaluated: 2024-10-23. Review status: criteria provided, single submitter. Criteria: ACMG Guidelines, 2015. Collection method: clinical testing. Allele origin: germline.

GeneDx
Classification: Uncertain significance. Last evaluated: 2024-07-30. Review status: criteria provided, single submitter. Criteria: GeneDx Variant Classification Process June 2021. Collection method: clinical testing. Allele origin: germline. Affected: yes.
Comment: Not observed at significant frequency in large population cohorts (gnomAD); Missense variant in a gene in which most reported pathogenic variants are truncating/loss of function; Has not been previously published as pathogenic or benign to our knowledge

Ambry Genetics
Classification: Uncertain significance for Cardiovascular phenotype. Last evaluated: 2019-10-07. Review status: criteria provided, single submitter. Criteria: Ambry Variant Classification Scheme 2023. Collection method: clinical testing. Allele origin: germline.
Comment: The p.K3063R variant (also known as c.9188A>G), located in coding exon 38 of the TTN gene, results from an A to G substitution at nucleotide position 9188. The lysine at codon 3063 is replaced by arginine, an amino acid with highly similar properties. This amino acid position is well conserved in available vertebrate species; however, arginine is the reference amino acid in other vertebrate species. In addition, this alteration is predicted to be tolerated by in silico analysis. Since supporting evidence is limited at this time, the clinical significance of this alteration remains unclear.

Labcorp Genetics (formerly Invitae), Labcorp
Classification: Uncertain significance for Dilated cardiomyopathy 1G; Autosomal recessive limb-girdle muscular dystrophy type 2J. Last evaluated: 2016-10-25. Review status: criteria provided, single submitter. Criteria: Invitae Variant Classification Sherloc (09022015). Collection method: clinical testing. Allele origin: germline.

NM_001267550.2(TTN):c.9326A>G (p.Lys3109Arg)

Gene: TTN (titin; minus strand). Cytogenetic location: 2q31.2.
Variant type: single nucleotide variant.
Coding change: c.9326A>G on transcript NM_001267550.2 (MANE Select); coding-DNA position 9326, A replaced by G.
Protein change: p.Lys3109Arg; replaces lysine 3109 with arginine.
Molecular consequence: missense variant.
Genome position (GRCh38, 1-based): chr2:178,767,904, T>C on the plus strand (A>G on the coding strand, the complement: TTN is on the minus strand). VCF-style: chr2-178767904-T-C. GRCh37 (hg19) VCF-style: chr2-179632631-T-C.
Other names: c.9326A>G (NM_001267550.1); c.9188A>G, p.Lys3063Arg (NM_003319.4, NM_133432.3, NM_133437.4); c.9326A>G, p.Lys3109Arg (NM_133378.4, NM_133379.5, NM_001256850.1); short protein forms K3109R, K3063R.
Identifiers: ClinVar variation 405000 (VCV000405000.8), dbSNP rs753036867, ClinGen allele CA2004356.
Genomic context (GRCh38, chr2:178,767,904, plus strand): 5'-ACTGTGTACTTCCCAGCATCAGACATCCGGGTGGATGGGATCAGAAGGCGGTGGACATAT[T>C]TCTCCTTCTGAATCTTTATTCTATGGATGAAATGGAAATTCGAGTTTACCGTATGGTGAT-3'
Protein context (NP_001254479.2, residues 3099-3119): ITDRIKIQKE[Lys3109Arg]YVHRLLIPST